The following is an entry in ClinVar:

NM_016589.4(TIMMDC1):c.1A>G (p.Met1Val)

Gene: TIMMDC1 (translocase of inner mitochondrial membrane domain containing 1; plus strand). Cytogenetic location: 3q13.33.
Variant type: single nucleotide variant.
Coding change: c.1A>G on transcript NM_016589.4 (MANE Select); coding-DNA position 1, A replaced by G.
Protein change: p.Met1Val; changes the start codon (methionine 1).
Molecular consequence: missense variant, initiator codon variant.
Genome position (GRCh38, 1-based): chr3:119,498,734, A>G. VCF-style: chr3-119498734-A-G. GRCh37 (hg19) VCF-style: chr3-119217581-A-G.
Other names: short protein forms M1V.
Identifiers: ClinVar variation 1723290 (VCV001723290.3), dbSNP rs773031917, ClinGen allele CA2555087.
Genomic context (GRCh38, chr3:119,498,734, plus strand): 5'-ACGTCCGCGAGGACTTGAAGTCCTGAGCGCTCAAGTTTGTCCGTAGGTCGAGAGAAGGCC[A>G]TGGAGGTGCCGCCACCGGCACCGCGGAGCTTTCTCTGTAGAGCATTGTGCCTATTTCCCC-3'
Protein context (NP_057673.2, residues 1-11): [Met1Val]EVPPPAPRSF

ClinVar aggregate classification (germline): Pathogenic/Likely pathogenic. Review status: criteria provided, multiple submitters, no conflicts (2 of 4 stars). 2 submissions from 2 submitters: Pathogenic (1); Likely pathogenic (1). Last evaluated 2025-11-27.

Conditions:
Mitochondrial complex I deficiency, nuclear type 31. Also called: Mitochondrial complex 1 deficiency, nuclear type 31. Identifiers: MedGen C4748838, MONDO:0032634, OMIM 618251.

Allele frequency attached by ClinVar (database versions not stated): ExAC 0.00001; gnomAD exomes 0.00001; gnomAD 0.00002; TOPMed 0.00002.

Submissions (2):

Labcorp Genetics (formerly Invitae), Labcorp
Classification: Pathogenic. Last evaluated: 2025-11-27. Review status: criteria provided, single submitter. Criteria: Invitae Variant Classification Sherloc (09022015). Collection method: clinical testing. Allele origin: germline.
Comment: This sequence change affects the initiator codon of the TIMMDC1 mRNA. This change may impact translation initiation or efficiency. The next in-frame methionine is located at codon 207. This variant is present in population databases (rs773031917, gnomAD 0.006%). This variant has not been reported in the literature in individuals affected with TIMMDC1-related conditions. ClinVar contains an entry for this variant (Variation ID: 1723290). This variant disrupts a region of the TIMMDC1 protein in which other variant(s) (p.Arg137His) have been determined to be pathogenic (internal data). This suggests that this is a clinically significant region of the protein, and that variants that disrupt it are likely to be disease-causing. For these reasons, this variant has been classified as Pathogenic.

Women's Health and Genetics/Laboratory Corporation of America, LabCorp
Classification: Likely pathogenic for Mitochondrial complex 1 deficiency, nuclear type 31. Last evaluated: 2022-10-11. Review status: criteria provided, single submitter. Criteria: LabCorp Variant Classification Summary - May 2015. Collection method: clinical testing. Allele origin: germline.
Comment: Variant summary: C3orf1 c.1A>G (p.Met1Val) alters the initiation codon and is predicted to result either in absence of the protein or truncation of the encoded protein due to translation initiation at a downstream codon (Met207). The variant allele was found at a frequency of 8e-06 in 251292 control chromosomes. The available data on variant occurrences in the general population are insufficient to allow any conclusion about variant significance. To our knowledge, no occurrence of c.1A>G in individuals affected with Mitochondrial Complex 1 Deficiency, Nuclear Type 31 and no experimental evidence demonstrating its impact on protein function have been reported. No clinical diagnostic laboratories have submitted clinical-significance assessments for this variant to ClinVar after 2014. At least one truncation variant (p.Arg129Ter) has been reported between p.Met1 and p.Met207 in ClinVar database, suggesting p.Met207 is unlikely to be utilized as alternative start codon and maintain protein function. Based on the evidence outlined above, the variant was classified as likely pathogenic.